The following is an entry in ClinVar:

ClinVar aggregate classification (germline): Uncertain significance (1 of 4 stars; one submission).

Conditions:
Ververi-Brady syndrome. Identifiers: MedGen C4693824, MONDO:0979877, MONDO:0060707.

Submission:

MVZ Medizinische Genetik Mainz
Classification: Uncertain significance for Ververi-Brady syndrome 1. Last evaluated: 2024-08-21. Review status: criteria provided, single submitter. Criteria: UK Practice Guidelines For Variant Classification V4 01 2020. Collection method: clinical testing. Allele origin: germline. Inheritance: Autosomal dominant inheritance. Affected: yes. Observed: 1 variant allele.
Comment: ACMG Criteria: PM4,PM2_SUP,PP3

NM_198880.3(QRICH1):c.582_629del (p.Ala197_Gln212del)

Gene: QRICH1 (glutamine rich 1; minus strand). Cytogenetic location: 3p21.31.
Variant type: Deletion.
Coding change: c.582_629del on transcript NM_198880.3 (MANE Select); coding-DNA positions 582 to 629, 48 bases deleted.
Protein change: p.Ala197_Gln212del.
Molecular consequence: inframe deletion.
Genome position (GRCh38, 1-based): chr3:49,057,571-49,057,618, 48 bases deleted; deleting any 48 consecutive bases within chr3:49,057,571-49,057,624 gives the same sequence; the c. name uses the placement nearest the transcript's 3' end. GRCh37 (hg19): chr3:49,095,010-49,095,057.
Other names: c.582_629del, p.Ala197_Gln212del (NM_001320580.2, NM_001320581.2, NM_001320582.2 and 4 more transcripts).
Identifiers: ClinVar variation 3338375 (VCV003338375.1).